The following is an entry in ClinVar:

ClinVar aggregate classification (germline): Uncertain significance (1 of 4 stars; one submission).

Conditions:
Cardiovascular phenotype. Identifiers: MedGen CN230736.

Submission:

Ambry Genetics
Classification: Uncertain significance for Cardiovascular phenotype. Last evaluated: 2019-08-27. Review status: criteria provided, single submitter. Criteria: Ambry Variant Classification Scheme 2023. Collection method: clinical testing. Allele origin: germline.
Comment: The c.2997_2999delCAT variant (also known as p.I1001del) is located in coding exon 8 of the AKAP9 gene. This variant results from an in-frame CAT deletion at nucleotide positions 2997 to 2999. This results in the in-frame deletion of an isoleucine at codon 1001. This amino acid position is not well conserved in available vertebrate species. Since supporting evidence is limited at this time, the clinical significance of this alteration remains unclear.

NM_005751.5(AKAP9):c.2997_2999del (p.Ile1001del)

Gene: AKAP9 (A-kinase anchoring protein 9; plus strand). Cytogenetic location: 7q21.2.
Variant type: Deletion.
Coding change: c.2997_2999del on transcript NM_005751.5 (MANE Select); coding-DNA positions 2997 to 2999, 3 bases deleted (CAT; older notation c.2997_2999delCAT).
Protein change: p.Ile1001del; deletes isoleucine 1001.
Molecular consequence: inframe deletion.
Genome position (GRCh38, 1-based): chr7:92,002,914-92,002,916, CAT deleted; deleting any 3 consecutive bases within chr7:92,002,912-92,002,916 gives the same sequence; the c. name uses the placement nearest the transcript's 3' end. VCF-style (leftmost placement, unchanged base first): chr7-92002911-AATC-A. GRCh37 (hg19) VCF-style: chr7-91632225-AATC-A.
Other names: c.2997_2999del, p.Ile1001del (NM_147185.3); short protein forms I1001del.
Identifiers: ClinVar variation 1798581 (VCV001798581.2), dbSNP rs1455168198, ClinGen allele CA576705500.